The following is an entry in ClinVar:

ClinVar aggregate classification (germline): Uncertain significance. Review status: criteria provided, multiple submitters, no conflicts (2 of 4 stars). 2 submissions from 2 submitters: Uncertain significance (2). Last evaluated 2024-07-25.

Conditions:
Dyskeratosis congenita, autosomal dominant 6 (DKCA6). Identifiers: Orphanet 3322, MedGen C4225284, MONDO:0014690, OMIM 616553.
ACD-related disorder. Also called: ACD-related condition.

Allele frequency attached by ClinVar (database versions not stated): gnomAD 0.00001; TOPMed 0.00001.

Submissions (2):

Labcorp Genetics (formerly Invitae), Labcorp
Classification: Uncertain significance for Dyskeratosis congenita, autosomal dominant 6. Last evaluated: 2024-07-25. Review status: criteria provided, single submitter. Criteria: Invitae Variant Classification Sherloc (09022015). Collection method: clinical testing. Allele origin: germline.
Comment: This sequence change replaces leucine, which is neutral and non-polar, with valine, which is neutral and non-polar, at codon 337 of the ACD protein (p.Leu337Val). This variant is not present in population databases (gnomAD no frequency). This variant has not been reported in the literature in individuals affected with ACD-related conditions. ClinVar contains an entry for this variant (Variation ID: 2630494). Advanced modeling of protein sequence and biophysical properties (such as structural, functional, and spatial information, amino acid conservation, physicochemical variation, residue mobility, and thermodynamic stability) has been performed at Invitae for this missense variant, however the output from this modeling did not meet the statistical confidence thresholds required to predict the impact of this variant on ACD protein function. In summary, the available evidence is currently insufficient to determine the role of this variant in disease. Therefore, it has been classified as a Variant of Uncertain Significance.

PreventionGenetics, part of Exact Sciences
Classification: Uncertain significance for ACD-related condition. Last evaluated: 2023-02-22. Review status: criteria provided, single submitter. Criteria: ACMG Guidelines, 2015. Collection method: clinical testing. Allele origin: germline.
Comment: The ACD c.1009C>G variant is predicted to result in the amino acid substitution p.Leu337Val. To our knowledge, this variant has not been reported in the literature or in a large population database, indicating this variant is rare. At this time, the clinical significance of this variant is uncertain due to the absence of conclusive functional and genetic evidence.

NM_001082486.2(ACD):c.751C>G (p.Leu251Val)

Gene: ACD (ACD shelterin complex subunit and telomerase recruitment factor; minus strand). Cytogenetic location: 16q22.1.
Variant type: single nucleotide variant.
Coding change: c.751C>G on transcript NM_001082486.2 (MANE Select); coding-DNA position 751, C replaced by G.
Protein change: p.Leu251Val; replaces leucine 251 with valine.
Molecular consequence: missense variant. On other transcripts: intron variant (1).
Genome position (GRCh38, 1-based): chr16:67,658,633, G>C on the plus strand (C>G on the coding strand, the complement: ACD is on the minus strand). VCF-style: chr16-67658633-G-C. GRCh37 (hg19) VCF-style: chr16-67692536-G-C.
Other names: c.742C>G, p.Leu248Val (NM_022914.3); c.742+87C>G (NM_001410884.1); short protein forms L248V, L251V.
Identifiers: ClinVar variation 2630494 (VCV002630494.4), dbSNP rs2052926994, ClinGen allele CA396353347.